The following is an entry in ClinVar:

NM_006294.5(UQCRB):c.-13C>T

Genes: UQCRB (ubiquinol-cytochrome c reductase binding protein; minus strand), UQCRB-AS1 (UQCRB antisense RNA 1; plus strand), LOC130000789 (ATAC-STARR-seq lymphoblastoid active region 27659; plus strand). Cytogenetic location: 8q22.1.
Variant type: single nucleotide variant.
Coding change: c.-13C>T on transcript NM_006294.5 (MANE Select); 13 bases upstream of the start codon, C replaced by T.
Molecular consequence: 5 prime UTR variant. On other transcripts: non-coding transcript variant (1).
Genome position (GRCh38, 1-based): chr8:96,235,543, G>A on the plus strand (C>T on the coding strand, the complement: UQCRB is on the minus strand). VCF-style: chr8-96235543-G-A. GRCh37 (hg19) VCF-style: chr8-97247771-G-A.
Other names: c.-223C>T (NM_001199975.3); c.-13C>T (NM_001254752.2).
Identifiers: ClinVar variation 137890 (VCV000137890.2), dbSNP rs146962545, ClinGen allele CA291619.
Genomic context (GRCh38, chr8:96,235,543, plus strand): 5'-GCCGGCCAAGAAGACCCCCAGTTACTTACCGGCCTGCTTACCAGCCATTTTGACCAGAAA[G>A]AGAAGCGTTGCCTTCTGGGTAAGTCATAGAGGACAAGCTGGGCCCAGTCCGCAGGCGCGT-3'

ClinVar aggregate classification (germline): Benign. Review status: criteria provided, multiple submitters, no conflicts (2 of 4 stars). 2 submissions from 2 submitters: Benign (2). Last evaluated 2013-03-27.

Allele frequency attached by ClinVar (database versions not stated): 1000 Genomes Project 0.00060; 1000 Genomes Project 30x 0.00094; TOPMed 0.00178; ESP Exome Variant Server 0.00200.

Submissions (2):

GeneDx
Classification: Benign. Last evaluated: 2013-03-27. Review status: criteria provided, single submitter. Criteria: GeneDx Variant Classification (06012015). Collection method: clinical testing. Allele origin: germline. Affected: yes.
Comment: This variant is considered likely benign or benign based on one or more of the following criteria: it is a conservative change, it occurs at a poorly conserved position in the protein, it is predicted to be benign by multiple in silico algorithms, and/or has population frequency not consistent with disease.

Breakthrough Genomics
Classification: Benign. Review status: criteria provided, single submitter. Criteria: ACMG Guidelines, 2015. Collection method: not provided. Allele origin: germline. Inheritance: Autosomal recessive inheritance. Affected: yes.